The following is an entry in ClinVar:

ClinVar aggregate classification (germline): Uncertain significance (1 of 4 stars; one submission).

Submission:

Labcorp Genetics (formerly Invitae), Labcorp
Classification: Uncertain significance. Last evaluated: 2025-03-18. Review status: criteria provided, single submitter. Criteria: Invitae Variant Classification Sherloc (09022015). Collection method: clinical testing. Allele origin: germline.
Comment: This sequence change creates a premature translational stop signal (p.Leu598*) in the ITGAM gene. It is expected to result in an absent or disrupted protein product. However, the current clinical and genetic evidence is not sufficient to establish whether loss-of-function variants in ITGAM cause disease. This variant is present in population databases (rs774156664, gnomAD 0.0009%). This variant has not been reported in the literature in individuals affected with ITGAM-related conditions. Algorithms developed to predict the effect of sequence changes on RNA splicing suggest that this variant may disrupt the consensus splice site. In summary, the available evidence is currently insufficient to determine the role of this variant in disease. Therefore, it has been classified as a Variant of Uncertain Significance.

NM_000632.4(ITGAM):c.1791_1794del (p.Gly597_Leu598insTer)

Gene: ITGAM (integrin subunit alpha M; plus strand). Cytogenetic location: 16p11.2.
Variant type: Deletion.
Coding change: c.1791_1794del on transcript NM_000632.4 (MANE Select); coding-DNA positions 1791 to 1794, 4 bases deleted (ACTG; older notation c.1791_1794delACTG).
Protein change: p.Gly597_Leu598insTer.
Molecular consequence: frameshift variant.
Genome position (GRCh38, 1-based): chr16:31,321,324-31,321,327, ACTG deleted; deleting any 4 consecutive bases within chr16:31,321,323-31,321,327 gives the same sequence; the c. name uses the placement nearest the transcript's 3' end. VCF-style (leftmost placement, unchanged base first): chr16-31321322-GGACT-G. GRCh37 (hg19) VCF-style: chr16-31332643-GGACT-G.
Other names: c.1794_1797del, p.Gly598_Leu599insTer (NM_001145808.2).
Identifiers: ClinVar variation 4703219 (VCV004703219.1).